The following is an entry in ClinVar:

NM_021098.3(CACNA1H):c.2960C>T (p.Thr987Ile)

Gene: CACNA1H (calcium voltage-gated channel subunit alpha1 H; plus strand). Cytogenetic location: 16p13.3.
Variant type: single nucleotide variant.
Coding change: c.2960C>T on transcript NM_021098.3 (MANE Select); coding-DNA position 2960, C replaced by T.
Protein change: p.Thr987Ile; replaces threonine 987 with isoleucine.
Molecular consequence: missense variant.
Genome position (GRCh38, 1-based): chr16:1,207,327, C>T. VCF-style: chr16-1207327-C-T. GRCh37 (hg19) VCF-style: chr16-1257327-C-T.
Other names: c.2960C>T, p.Thr987Ile (NM_001005407.2); short protein forms T987I.
Identifiers: ClinVar variation 1054139 (VCV001054139.9), dbSNP rs891172463, ClinGen allele CA276660831.

ClinVar aggregate classification (germline): Uncertain significance (1 of 4 stars; one submission).

Conditions:
Hyperaldosteronism, familial, type IV (HALD4). Also called: FH IV; ALDOSTERONISM, PRIMARY, AND HYPERTENSION. Identifiers: Orphanet 642671, MedGen C4310756, MONDO:0014875, OMIM 617027.
Idiopathic generalized epilepsy. Also called: Generalised epilepsy; EIG. Identifiers: MedGen C0270850, MONDO:0005579, OMIM 600669.

Allele frequency attached by ClinVar (database versions not stated): gnomAD exomes below 0.00001 and 0.00001; TOPMed below 0.00001.
gnomAD v4.1: 10 of 1,611,380 alleles (0.00062%); highest among the groups gnomAD compares: South Asian, 0.0088%; no homozygotes.

Submission:

Labcorp Genetics (formerly Invitae), Labcorp
Classification: Uncertain significance for Idiopathic generalized epilepsy; Hyperaldosteronism, familial, type IV. Last evaluated: 2020-04-20. Review status: criteria provided, single submitter. Criteria: Invitae Variant Classification Sherloc (09022015). Collection method: clinical testing. Allele origin: germline.
Comment: In summary, the available evidence is currently insufficient to determine the role of this variant in disease. Therefore, it has been classified as a Variant of Uncertain Significance. Algorithms developed to predict the effect of missense changes on protein structure and function are either unavailable or do not agree on the potential impact of this missense change (SIFT: "Deleterious"; PolyPhen-2: "Probably Damaging"; Align-GVGD: "Class C15"). This variant has not been reported in the literature in individuals with CACNA1H-related conditions. This variant is not present in population databases (ExAC no frequency). This sequence change replaces threonine with isoleucine at codon 987 of the CACNA1H protein (p.Thr987Ile). The threonine residue is highly conserved and there is a moderate physicochemical difference between threonine and isoleucine.